The following is an entry in ClinVar:

ClinVar aggregate classification (germline): Uncertain significance (1 of 4 stars; one submission).

Allele frequency attached by ClinVar (database versions not stated): TOPMed below 0.00001.

Submission:

Centre of Medical Genetics, University Hospital Muenster
Classification: Uncertain significance. Last evaluated: 2021-12-15. Review status: criteria provided, single submitter. Criteria: ACMG Guidelines, 2015. Collection method: clinical testing. Allele origin: unknown. Affected: yes. Observed: 1 variant allele, 1 heterozygote.
Comment: ACMG categories: PM2,PP3,BP1

NM_000435.3(NOTCH3):c.2093C>G (p.Pro698Arg)

Gene: NOTCH3 (notch receptor 3; minus strand). Cytogenetic location: 19p13.12.
Variant type: single nucleotide variant.
Coding change: c.2093C>G on transcript NM_000435.3 (MANE Select); coding-DNA position 2093, C replaced by G.
Protein change: p.Pro698Arg; replaces proline 698 with arginine.
Molecular consequence: missense variant.
Genome position (GRCh38, 1-based): chr19:15,185,538, G>C on the plus strand (C>G on the coding strand, the complement: NOTCH3 is on the minus strand). VCF-style: chr19-15185538-G-C. GRCh37 (hg19) VCF-style: chr19-15296349-G-C.
Other names: short protein forms P698R.
Identifiers: ClinVar variation 1708424 (VCV001708424.3), dbSNP rs2046874450, ClinGen allele CA404522514.